The following is an entry in ClinVar:

NM_000719.7(CACNA1C):c.1841T>G (p.Leu614Arg)

Gene: CACNA1C (calcium voltage-gated channel subunit alpha1 C; plus strand). Cytogenetic location: 12p13.33.
Variant type: single nucleotide variant.
Coding change: c.1841T>G on transcript NM_000719.7 (MANE Select); coding-DNA position 1841, T replaced by G.
Protein change: p.Leu614Arg; replaces leucine 614 with arginine.
Molecular consequence: missense variant.
Genome position (GRCh38, 1-based): chr12:2,567,740, T>G. VCF-style: chr12-2567740-T-G. GRCh37 (hg19) VCF-style: chr12-2676906-T-G.
Other names: c.1841T>G, p.Leu614Arg (NM_001129827.2, NM_001129829.2, NM_001129830.3 and 18 more transcripts); c.1832T>G, p.Leu611Arg (NM_001129844.2); short protein forms L614R, L611R.
Identifiers: ClinVar variation 424187 (VCV000424187.2), dbSNP rs1057518994, ClinGen allele CA16619506.

ClinVar aggregate classification (germline): Uncertain significance (1 of 4 stars; one submission).

Submission:

GeneDx
Classification: Uncertain significance. Last evaluated: 2018-06-25. Review status: criteria provided, single submitter. Criteria: GeneDx Variant Classification (06012015). Collection method: clinical testing. Allele origin: germline. Affected: yes.
Comment: The L614R variant in the CACNA1C gene has not been reported previously as a pathogenic variant, nor as a benign variant, to our knowledge. The L614R variant is not observed in large population cohorts (Lek et al., 2016; 1000 Genomes Consortium et al., 2015; Exome Variant Server). The L614R variant is a non-conservative amino acid substitution, which is likely to impact secondary protein structure as these residues differ in polarity, charge, size and/or other properties. In addition, this substitution occurs at a position that is conserved across species, and in silico analysis predicts this variant is probably damaging to the protein structure/function. We interpret L614R as a variant of uncertain significance.